The following is an entry in ClinVar:

ClinVar aggregate classification (germline): Uncertain significance. Review status: criteria provided, multiple submitters, no conflicts (2 of 4 stars). 2 submissions from 2 submitters: Uncertain significance (2). Last evaluated 2023-05-30.

Conditions:
Dyskeratosis congenita. Identifiers: Orphanet 1775, MedGen C0265965, MONDO:0015780.

Allele frequency attached by ClinVar (database versions not stated): TOPMed below 0.00001; ExAC 0.00001; gnomAD 0.00001; gnomAD exomes 0.00001.
gnomAD v4.1: 12 of 1,611,322 alleles (0.00074%); highest among the groups gnomAD compares: Non-Finnish European, 0.001%; no homozygotes.

Submissions (2):

GeneDx
Classification: Uncertain significance. Last evaluated: 2023-05-30. Review status: criteria provided, single submitter. Criteria: GeneDx Variant Classification Process June 2021. Collection method: clinical testing. Allele origin: germline. Affected: yes.
Comment: Not observed at significant frequency in large population cohorts (gnomAD); In silico analysis supports that this missense variant does not alter protein structure/function; Has not been previously published as pathogenic or benign to our knowledge

Labcorp Genetics (formerly Invitae), Labcorp
Classification: Uncertain significance for Dyskeratosis congenita. Last evaluated: 2021-08-28. Review status: criteria provided, single submitter. Criteria: Invitae Variant Classification Sherloc (09022015). Collection method: clinical testing. Allele origin: germline.
Comment: This sequence change replaces aspartic acid with asparagine at codon 9 of the NHP2 protein (p.Asp9Asn). The aspartic acid residue is weakly conserved and there is a small physicochemical difference between aspartic acid and asparagine. This variant is present in population databases (rs769331750, ExAC 0.002%). This variant has not been reported in the literature in individuals affected with NHP2-related conditions. Algorithms developed to predict the effect of missense changes on protein structure and function (SIFT, PolyPhen-2, Align-GVGD) all suggest that this variant is likely to be tolerated. In summary, the available evidence is currently insufficient to determine the role of this variant in disease. Therefore, it has been classified as a Variant of Uncertain Significance.

NM_017838.4(NHP2):c.25G>A (p.Asp9Asn)

Gene: NHP2 (NHP2 ribonucleoprotein; minus strand). Cytogenetic location: 5q35.3.
Variant type: single nucleotide variant.
Coding change: c.25G>A on transcript NM_017838.4 (MANE Select); coding-DNA position 25, G replaced by A.
Protein change: p.Asp9Asn; replaces aspartic acid 9 with asparagine.
Molecular consequence: missense variant.
Genome position (GRCh38, 1-based): chr5:178,153,793, C>T on the plus strand (G>A on the coding strand, the complement: NHP2 is on the minus strand). VCF-style: chr5-178153793-C-T. GRCh37 (hg19) VCF-style: chr5-177580794-C-T.
Other names: c.25G>A, p.Asp9Asn (NM_001034833.2); short protein forms D9N.
Identifiers: ClinVar variation 968308 (VCV000968308.8), dbSNP rs769331750, ClinGen allele CA3589300.
Genomic context (GRCh38, chr5:178,153,793, plus strand): 5'-CCAGCAGCTCCTGGTAGGTGCGCTCCCCGGAACACGCCTCCGCCTGAGCCTCGGGCCCGT[C>T]GGGATCTGCCTTTATTTTGGTCATCGCAGCGGCCGCTGAAACCTAGTCCCAGGGAGGCGA-3'
Protein context (NP_060308.1, residues 1-19): MTKIKADP[Asp9Asn]GPEAQAEACS